The following is an entry in ClinVar:

ClinVar aggregate classification (germline): Uncertain significance (1 of 4 stars; one submission).

Conditions:
Stormorken syndrome (STRMK). Also called: THROMBOCYTOPATHY, ASPLENIA, AND MIOSIS. Identifiers: Orphanet 3204, MedGen C1861451, MONDO:0008497, OMIM 185070.
Myopathy with tubular aggregates (TAM). Also called: Tubular Aggregate Myopathy. Identifiers: Orphanet 2593, MedGen C0410207, MONDO:0008051.
Combined immunodeficiency due to STIM1 deficiency. Also called: IMMUNODEFICIENCY 10; STIM1 DEFICIENCY. Identifiers: Orphanet 169090, Orphanet 317430, MedGen C2748557, MONDO:0013008, OMIM 612783.

Submission:

Labcorp Genetics (formerly Invitae), Labcorp
Classification: Uncertain significance for Myopathy with tubular aggregates; Combined immunodeficiency due to STIM1 deficiency; Stormorken syndrome. Last evaluated: 2022-07-06. Review status: criteria provided, single submitter. Criteria: Invitae Variant Classification Sherloc (09022015). Collection method: clinical testing. Allele origin: germline.
Comment: In summary, the available evidence is currently insufficient to determine the role of this variant in disease. Therefore, it has been classified as a Variant of Uncertain Significance. Algorithms developed to predict the effect of missense changes on protein structure and function are either unavailable or do not agree on the potential impact of this missense change (SIFT: "Tolerated"; PolyPhen-2: "Probably Damaging"; Align-GVGD: "Class C0"). ClinVar contains an entry for this variant (Variation ID: 1039001). This variant has not been reported in the literature in individuals affected with STIM1-related conditions. This variant is not present in population databases (gnomAD no frequency). This sequence change replaces histidine, which is basic and polar, with tyrosine, which is neutral and polar, at codon 355 of the STIM1 protein (p.His355Tyr).

NM_001382567.1(STIM1):c.1063C>T (p.His355Tyr)

Gene: STIM1 (stromal interaction molecule 1; plus strand). Cytogenetic location: 11p15.4.
Variant type: single nucleotide variant.
Coding change: c.1063C>T on transcript NM_001382567.1 (MANE Select); coding-DNA position 1063, C replaced by T.
Protein change: p.His355Tyr; replaces histidine 355 with tyrosine.
Molecular consequence: missense variant. On other transcripts: non-coding transcript variant (2).
Genome position (GRCh38, 1-based): chr11:4,082,277, C>T. VCF-style: chr11-4082277-C-T. GRCh37 (hg19) VCF-style: chr11-4103507-C-T.
Other names: c.841C>T, p.His281Tyr (NM_001382573.1, NM_001382575.1, NM_001382576.1 and 4 more transcripts); c.574C>T, p.His192Tyr (NM_001382580.1, NM_001382581.1); c.1063C>T, p.His355Tyr (NM_003156.4, NM_001277961.3, NM_001277962.2 and 1 more transcripts); c.928C>T, p.His310Tyr (NM_001382569.1); c.835C>T, p.His279Tyr (NM_001382570.1); c.583C>T, p.His195Tyr (NM_001382571.1); short protein forms H192Y, H195Y, H310Y, H355Y, H279Y, H281Y.
Identifiers: ClinVar variation 1039001 (VCV001039001.9), dbSNP rs2094469160, ClinGen allele CA379192559.
Genomic context (GRCh38, chr11:4,082,277, plus strand): 5'-CTAGAATCTCACAGCTCATGGTATGCTCCAGAGGCCCTTCAGAAGTGGCTGCAGCTGACA[C>T]ATGAGGTGGAGGTGCAATATTACAACATCAAGAAGCAAAATGCTGAGAAGCAGCTGCTGG-3'
Protein context (NP_001369496.1, residues 345-365): EALQKWLQLT[His355Tyr]EVEVQYYNIK